The following is an entry in ClinVar:

NM_004813.4(PEX16):c.888-4C>G

Gene: PEX16 (peroxisomal biogenesis factor 16; minus strand). Cytogenetic location: 11p11.2.
Variant type: single nucleotide variant.
Coding change: c.888-4C>G on transcript NM_004813.4 (MANE Select); 4 bases into the intron before coding-DNA position 888, C replaced by G.
Molecular consequence: intron variant.
Genome position (GRCh38, 1-based): chr11:45,910,966, G>C on the plus strand (C>G on the coding strand, the complement: PEX16 is on the minus strand). VCF-style: chr11-45910966-G-C. GRCh37 (hg19) VCF-style: chr11-45932517-G-C.
Other names: c.888-4C>G (NM_057174.3).
Identifiers: ClinVar variation 3061419 (VCV003061419.2), dbSNP rs2086772849, ClinGen allele CA2613279591.

ClinVar aggregate classification (germline): Likely benign (0 of 4 stars; one submission).

Conditions:
PEX16-related disorder. Also called: PEX16-related condition.

gnomAD v4.1: 1 of 1,612,776 alleles (0.000062%); highest among the groups gnomAD compares: Non-Finnish European, 0.000085%; no homozygotes.

Submission:

PreventionGenetics, part of Exact Sciences
Classification: Likely benign for PEX16-related condition. Last evaluated: 2024-02-20. Review status: no assertion criteria provided. Collection method: clinical testing. Allele origin: germline.
Comment: This variant is classified as likely benign based on ACMG/AMP sequence variant interpretation guidelines (Richards et al. 2015 PMID: 25741868, with internal and published modifications).